The following is an entry in ClinVar:

ClinVar aggregate classification (germline): Conflicting classifications of pathogenicity. Review status: criteria provided, conflicting classifications (1 of 4 stars). 2 submissions from 2 submitters: Uncertain significance (1); Likely benign (1). Last evaluated 2023-10-28.

Allele frequency attached by ClinVar (database versions not stated): TOPMed 0.00002; ExAC 0.00003.
gnomAD v4.1: 18 of 1,614,170 alleles (0.0011%); highest among the groups gnomAD compares: East Asian, 0.038%; no homozygotes.

Submissions (2):

Labcorp Genetics (formerly Invitae), Labcorp
Classification: Likely benign. Last evaluated: 2023-10-28. Review status: criteria provided, single submitter. Criteria: Invitae Variant Classification Sherloc (09022015). Collection method: clinical testing. Allele origin: germline.

GeneDx
Classification: Uncertain significance. Last evaluated: 2023-07-25. Review status: criteria provided, single submitter. Criteria: GeneDx Variant Classification Process June 2021. Collection method: clinical testing. Allele origin: germline. Affected: yes.
Comment: In silico analysis supports that this variant does not alter splicing; Has not been previously published as pathogenic or benign to our knowledge

NM_194248.3(OTOF):c.5466C>T (p.Tyr1822=)

Gene: OTOF (otoferlin; minus strand). Cytogenetic location: 2p23.3.
Variant type: single nucleotide variant.
Coding change: c.5466C>T on transcript NM_194248.3 (MANE Select); coding-DNA position 5466, C replaced by T.
Protein change: p.Tyr1822=; no amino-acid change (tyrosine 1822 retained).
Molecular consequence: synonymous variant.
Genome position (GRCh38, 1-based): chr2:26,461,763, G>A on the plus strand (C>T on the coding strand, the complement: OTOF is on the minus strand). VCF-style: chr2-26461763-G-A. GRCh37 (hg19) VCF-style: chr2-26684631-G-A.
Other names: c.3396C>T, p.Tyr1132= (NM_194322.3); c.3165C>T, p.Tyr1055= (NM_194323.3, NM_004802.4); c.5466C>T, p.Tyr1822= (NM_001287489.2).
Identifiers: ClinVar variation 2902516 (VCV002902516.4), dbSNP rs753580324, ClinGen allele CA1562819.